The following is an entry in ClinVar:

ClinVar aggregate classification (germline): Conflicting classifications of pathogenicity. Review status: criteria provided, conflicting classifications (1 of 4 stars). 8 submissions from 8 submitters: Uncertain significance (5); Likely benign (1). 2 of the submissions do not count toward it. Last evaluated 2025-10-14.

Conditions:
Usher syndrome type 1 (USH1). Also called: RETINITIS PIGMENTOSA AND CONGENITAL DEAFNESS. Identifiers: Orphanet 231169, Orphanet 886, MedGen C1568247, MONDO:0010168, OMIM 276900.
Autosomal recessive nonsyndromic hearing loss 2. Also called: DEAFNESS, AUTOSOMAL RECESSIVE 2; NEUROSENSORY NONSYNDROMIC RECESSIVE DEAFNESS 2. Identifiers: Orphanet 90636, MedGen C1838701, MONDO:0010807, OMIM 600060.
Autosomal dominant nonsyndromic hearing loss 11. Identifiers: Orphanet 90635, MedGen C1832475, MONDO:0011032, OMIM 601317.
MYO7A-related disorder. Also called: MYO7A-related disorders.
Deafness. Identifiers: MedGen C0011053.
Hearing loss, autosomal recessive. Also called: Rare autosomal recessive non-syndromic sensorineural deafness type DFNB; Autosomal recessive nonsyndromic deafness; Nonsyndromic Hearing Loss, Recessive; Deafness, autosomal recessive. Identifiers: Orphanet 90635, Orphanet 90636, MedGen C1846647, MONDO:0019588, OMIM 607197.

Allele frequency attached by ClinVar (database versions not stated): gnomAD exomes 0.00001 and 0.00004; gnomAD 0.00014 and 0.00016; ExAC 0.00015; TOPMed 0.00015; ESP Exome Variant Server 0.00017; 1000 Genomes Project 0.00020; 1000 Genomes Project 30x 0.00031.
gnomAD v4.1: 33 of 1,552,042 alleles (0.0021%); highest among the groups gnomAD compares: African/African-American, 0.042%; no homozygotes.

Submissions (8):

PreventionGenetics, part of Exact Sciences
Classification: Uncertain significance for MYO7A-related condition. Last evaluated: 2025-10-14. Review status: criteria provided, single submitter. Criteria: ACMG Guidelines, 2015. Collection method: clinical testing. Allele origin: germline.
Comment: The MYO7A c.3364C>A variant is predicted to result in the amino acid substitution p.Leu1122Ile. The p.Leu1122Ile variant has been reported in the compound heterozygous state with another MYO7A variant (p.Gly1782Ala) in two siblings with hearing loss (Richard et al. 2019. PubMed ID: 30303587); however, no additional studies have been reported to help clarify the significance of either variant. The p.Leu1122Ile variant is reported in 0.036% of alleles in individuals of African descent in gnomAD. At this time, the clinical significance of this variant is uncertain due to the absence of conclusive functional and genetic evidence.

Labcorp Genetics (formerly Invitae), Labcorp
Classification: Likely benign. Last evaluated: 2025-05-24. Review status: criteria provided, single submitter. Criteria: Invitae Variant Classification Sherloc (09022015). Collection method: clinical testing. Allele origin: germline.

GeneDx
Classification: Uncertain significance. Last evaluated: 2024-11-18. Review status: criteria provided, single submitter. Criteria: GeneDx Variant Classification Process June 2021. Collection method: clinical testing. Allele origin: germline. Affected: yes.
Comment: Reported with a second variant in a family with autosomal recessive hearing loss in published literature, however, clinical information was not provided (PMID: 30303587); In silico analysis indicates that this missense variant does not alter protein structure/function; This variant is associated with the following publications: (PMID: 31589614, 30303587, 36147510)

Women's Health and Genetics/Laboratory Corporation of America, LabCorp
Classification: Uncertain significance. Last evaluated: 2023-05-09. Review status: criteria provided, single submitter. Criteria: LabCorp Variant Classification Summary - May 2015. Collection method: clinical testing. Allele origin: germline.
Comment: Variant summary: MYO7A c.3364C>A (p.Leu1122Ile) results in a conservative amino acid change located in the MyTH4 domain (IPR000857) of the encoded protein sequence. Four of five in-silico tools predict a benign effect of the variant on protein function. The variant allele was found at a frequency of 3.9e-05 in 155582 control chromosomes (gnomAD). c.3364C>A has been reported in the literature in the compound heterozygous state in two siblings affected with hearing loss and the variant was observed to segregate with the phenotype in an autosomal recessive inhertiance pattern in the family (Richard_2019). These data indicate that the variant may be associated with disease. To our knowledge, no experimental evidence demonstrating an impact on protein function has been reported. The following publications have been ascertained in the context of this evaluation (PMID: 36147510, 30303587). Four submitters have provided clinical-significance assessments for this variant to ClinVar after 2014 and classified the variant as either VUS (n=3), or pathogenic (n=1). Based on the evidence outlined above, the variant was classified as VUS-possibly pathogenic.

Fulgent Genetics
Classification: Uncertain significance for Usher syndrome type 1; Autosomal recessive nonsyndromic hearing loss 2; Autosomal dominant nonsyndromic hearing loss 11. Last evaluated: 2022-03-03. Review status: criteria provided, single submitter. Criteria: ACMG Guidelines, 2015. Collection method: clinical testing. Allele origin: unknown.

Blueprint Genetics
Classification: Uncertain significance. Last evaluated: 2021-09-21. Review status: criteria provided, single submitter. Criteria: ACMG Guidelines, 2015. Collection method: clinical testing. Allele origin: germline.

Center for Statistical Genetics, Columbia University
Classification: Pathogenic for Deafness. Last evaluated: 2018-09-10. Review status: no assertion criteria provided. Collection method: research. Allele origin: inherited. Affected: yes. Not counted in ClinVar's aggregate classification.
Comment: Autosomal recessive

University of Washington Center for Mendelian Genomics, University of Washington
Classification: Likely pathogenic for non-syndromic autosomal recessive hearing loss. Review status: no assertion criteria provided. Collection method: research. Allele origin: inherited. Affected: yes. Not counted in ClinVar's aggregate classification.

Literature cited by the submitters: PubMed 30303587 (cited by Women's Health and Genetics/Laboratory Corporation of America, LabCorp and University of Washington Center for Mendelian Genomics, University of Washington); PubMed 36147510 (cited by Women's Health and Genetics/Laboratory Corporation of America, LabCorp).

NM_000260.4(MYO7A):c.3364C>A (p.Leu1122Ile)

Gene: MYO7A (myosin VIIA; plus strand). Cytogenetic location: 11q13.5.
Variant type: single nucleotide variant.
Coding change: c.3364C>A on transcript NM_000260.4 (MANE Select); coding-DNA position 3364, C replaced by A.
Protein change: p.Leu1122Ile; replaces leucine 1122 with isoleucine.
Molecular consequence: missense variant.
Genome position (GRCh38, 1-based): chr11:77,183,146, C>A. VCF-style: chr11-77183146-C-A. GRCh37 (hg19) VCF-style: chr11-76894191-C-A.
Other names: c.3364C>A, p.Leu1122Ile (NM_001127180.2); c.3331C>A, p.Leu1111Ile (NM_001369365.1); short protein forms L1122I, L1111I.
Identifiers: ClinVar variation 560897 (VCV000560897.14), dbSNP rs192378817, ClinGen allele CA6198033.